The following is an entry in ClinVar:

ClinVar aggregate classification (germline): Uncertain significance. Review status: criteria provided, multiple submitters, no conflicts (2 of 4 stars). 2 submissions from 2 submitters: Uncertain significance (2). Last evaluated 2025-09-10.

Conditions:
Beckwith-Wiedemann syndrome (BWS). Also called: EMG SYNDROME; Exomphalos macroglossia gigantism syndrome. Identifiers: Orphanet 116, MedGen C0004903, MONDO:0007534, OMIM 130650.
Inborn genetic diseases. Identifiers: MedGen C0950123, MeSH D030342.

Allele frequency attached by ClinVar (database versions not stated): TOPMed 0.00001.

Submissions (2):

Ambry Genetics
Classification: Uncertain significance for Inborn genetic diseases. Last evaluated: 2025-09-10. Review status: criteria provided, single submitter. Criteria: Ambry Variant Classification Scheme 2023. Collection method: clinical testing. Allele origin: germline.

Labcorp Genetics (formerly Invitae), Labcorp
Classification: Uncertain significance for Beckwith-Wiedemann syndrome. Last evaluated: 2023-08-03. Review status: criteria provided, single submitter. Criteria: Invitae Variant Classification Sherloc (09022015). Collection method: clinical testing. Allele origin: germline.
Comment: An algorithm developed to predict the effect of missense changes on protein structure and function (PolyPhen-2) suggests that this variant is likely to be disruptive. In summary, the available evidence is currently insufficient to determine the role of this variant in disease. Therefore, it has been classified as a Variant of Uncertain Significance. ClinVar contains an entry for this variant (Variation ID: 576306). This sequence change replaces serine, which is neutral and polar, with tyrosine, which is neutral and polar, at codon 10 of the CDKN1C protein (p.Ser10Tyr). The frequency data for this variant in the population databases is considered unreliable, as metrics indicate poor data quality at this position in the gnomAD database. This variant has not been reported in the literature in individuals affected with CDKN1C-related conditions.

NM_001122630.2(CDKN1C):c.-5C>A

Gene: CDKN1C (cyclin dependent kinase inhibitor 1C; minus strand). Cytogenetic location: 11p15.4.
Variant type: single nucleotide variant.
Coding change: c.-5C>A on transcript NM_001122630.2 (MANE Select); 5 bases upstream of the start codon, C replaced by A.
Molecular consequence: 5 prime UTR variant. On other transcripts: missense variant (2).
Genome position (GRCh38, 1-based): chr11:2,885,461, G>T on the plus strand (C>A on the coding strand, the complement: CDKN1C is on the minus strand). VCF-style: chr11-2885461-G-T. GRCh37 (hg19) VCF-style: chr11-2906691-G-T.
Other names: c.29C>A, p.Ser10Tyr (LRG_533t1, NM_000076.2, NM_001362474.2); c.-5C>A (NM_001122631.2, NM_001362475.2); short protein forms S10Y.
Identifiers: ClinVar variation 576306 (VCV000576306.11), dbSNP rs1420666038, ClinGen allele CA379147996.